The following is an entry in ClinVar:

ClinVar aggregate classification (germline): Uncertain significance. Review status: criteria provided, multiple submitters, no conflicts (2 of 4 stars). 3 submissions from 3 submitters: Uncertain significance (3). Last evaluated 2025-02-16.

Conditions:
Tuberous sclerosis 1 (TSC1). Identifiers: Orphanet 805, MedGen C1854465, MONDO:0008612, OMIM 191100.
Hereditary cancer-predisposing syndrome. Also called: Neoplastic Syndromes, Hereditary; Hereditary neoplastic syndrome; Tumor predisposition; Hereditary Cancer Syndrome. Identifiers: Orphanet 140162, MedGen C0027672, MeSH D009386, MONDO:0015356.

Submissions (3):

Labcorp Genetics (formerly Invitae), Labcorp
Classification: Uncertain significance for Tuberous sclerosis 1. Last evaluated: 2025-02-16. Review status: criteria provided, single submitter. Criteria: Invitae Variant Classification Sherloc (09022015). Collection method: clinical testing. Allele origin: germline.
Comment: This sequence change affects codon 661 of the TSC1 mRNA. It is a 'silent' change, meaning that it does not change the encoded amino acid sequence of the TSC1 protein. This variant is not present in population databases (gnomAD no frequency). This variant has not been reported in the literature in individuals affected with TSC1-related conditions. ClinVar contains an entry for this variant (Variation ID: 1937855). Algorithms developed to predict the effect of sequence changes on RNA splicing suggest that this variant may create or strengthen a splice site. In summary, the available evidence is currently insufficient to determine the role of this variant in disease. Therefore, it has been classified as a Variant of Uncertain Significance.

Ambry Genetics
Classification: Uncertain significance for Hereditary cancer-predisposing syndrome. Last evaluated: 2024-04-09. Review status: criteria provided, single submitter. Criteria: Ambry Variant Classification Scheme 2023. Collection method: clinical testing. Allele origin: germline.
Comment: The c.1983C>T variant (also known as p.S661S), located in coding exon 13 of the TSC1 gene, results from a C to T substitution at nucleotide position 1983. This nucleotide substitution does not change the serine at codon 661. This nucleotide position is not well conserved in available vertebrate species. In silico splice site analysis predicts that this alteration will result in the creation or strengthening of a novel splice donor site. Based on the available evidence, the clinical significance of this variant remains unclear.

GeneDx
Classification: Uncertain significance. Last evaluated: 2024-01-25. Review status: criteria provided, single submitter. Criteria: GeneDx Variant Classification Process June 2021. Collection method: clinical testing. Allele origin: germline. Affected: yes.
Comment: Not observed at significant frequency in large population cohorts (gnomAD); In silico analysis supports a deleterious effect on splicing; Has not been previously published as pathogenic or benign to our knowledge

NM_000368.5(TSC1):c.1983C>T (p.Ser661=)

Gene: TSC1 (TSC complex subunit 1; minus strand). Cytogenetic location: 9q34.13.
Variant type: single nucleotide variant.
Coding change: c.1983C>T on transcript NM_000368.5 (MANE Select); coding-DNA position 1983, C replaced by T.
Protein change: p.Ser661=; no amino-acid change (serine 661 retained).
Molecular consequence: synonymous variant. On other transcripts: non-coding transcript variant (5).
Genome position (GRCh38, 1-based): chr9:132,905,595, G>A on the plus strand (C>T on the coding strand, the complement: TSC1 is on the minus strand). VCF-style: chr9-132905595-G-A. GRCh37 (hg19) VCF-style: chr9-135780982-G-A.
Other names: c.1620C>T, p.Ser540= (NM_001406617.1, NM_001406618.1, NM_001406619.1 and 5 more transcripts); c.1617C>T, p.Ser539= (NM_001406620.1, NM_001406621.1, NM_001406622.1 and 2 more transcripts); c.1032C>T, p.Ser344= (NM_001406626.1); c.1029C>T, p.Ser343= (NM_001406627.1, NM_001406628.1); c.930C>T, p.Ser310= (NM_001406629.1, NM_001406630.1); c.1980C>T, p.Ser660= (NM_001162426.2, NM_001406597.1, NM_001406598.1 and 6 more transcripts); c.1830C>T, p.Ser610= (NM_001162427.2, NM_001406610.1); c.1983C>T, p.Ser661= (NM_001406592.1, NM_001406593.1, NM_001406594.1 and 7 more transcripts); and 1 more.
Identifiers: ClinVar variation 1937855 (VCV001937855.7), dbSNP rs2131807903, ClinGen allele CA467812880.